The following is an entry in ClinVar:

NM_001289808.2(CRYAB):c.76C>A (p.Gln26Lys)

Gene: CRYAB (crystallin alpha B; minus strand). Cytogenetic location: 11q23.1.
Variant type: single nucleotide variant.
Coding change: c.76C>A on transcript NM_001289808.2 (MANE Select); coding-DNA position 76, C replaced by A.
Protein change: p.Gln26Lys; replaces glutamine 26 with lysine.
Molecular consequence: missense variant.
Genome position (GRCh38, 1-based): chr11:111,911,649, G>T on the plus strand (C>A on the coding strand, the complement: CRYAB is on the minus strand). VCF-style: chr11-111911649-G-T. GRCh37 (hg19) VCF-style: chr11-111782373-G-T.
Other names: c.76C>A, p.Gln26Lys (NM_001289807.1, NM_001368245.1, NM_001885.3); short protein forms Q26K.
Identifiers: ClinVar variation 944750 (VCV000944750.1), dbSNP rs1965461881, ClinGen allele CA382600792.
Genomic context (GRCh38, chr11:111,911,649, plus strand): 5'-GACTCAGGGAAGTAGACGTCGGGAAAAGATCAGACTCCAACAGGTGCTCTCCGAAGAACT[G>T]GTCAAAGAGGCGGCTGGGGGAGTGGAAAGGAAAGAAGGGGCGGCGGATCCAGGGGTGGTG-3'
Protein context (NP_001276737.1, residues 16-36): PFHSPSRLFD[Gln26Lys]FFGEHLLESD

ClinVar aggregate classification (germline): Uncertain significance (1 of 4 stars; one submission).

Conditions:
Dilated cardiomyopathy 1II (CMD1II). Identifiers: Orphanet 154, MedGen C3554649, MONDO:0014073, OMIM 615184.

Submission:

Labcorp Genetics (formerly Invitae), Labcorp
Classification: Uncertain significance for Dilated cardiomyopathy 1II. Last evaluated: 2019-06-19. Review status: criteria provided, single submitter. Criteria: Invitae Variant Classification Sherloc (09022015). Collection method: clinical testing. Allele origin: germline.
Comment: This sequence change replaces glutamine with lysine at codon 26 of the CRYAB protein (p.Gln26Lys). The glutamine residue is moderately conserved and there is a small physicochemical difference between glutamine and lysine. This variant is not present in population databases (ExAC no frequency). This variant has not been reported in the literature in individuals with CRYAB-related conditions. Algorithms developed to predict the effect of missense changes on protein structure and function are either unavailable or do not agree on the potential impact of this missense change (SIFT: "Tolerated"; PolyPhen-2: "Probably Damaging"; Align-GVGD: "Class C0"). In summary, the available evidence is currently insufficient to determine the role of this variant in disease. Therefore, it has been classified as a Variant of Uncertain Significance.